The following is an entry in ClinVar:

ClinVar aggregate classification (germline): Uncertain significance (1 of 4 stars; one submission).

Allele frequency attached by ClinVar (database versions not stated): gnomAD exomes 0.00005 and 0.00003; ESP Exome Variant Server 0.00008; TOPMed 0.00002; ExAC 0.00005.
gnomAD v4.1: 74 of 1,614,140 alleles (0.0046%); highest among the groups gnomAD compares: Middle Eastern, 0.016%; no homozygotes.

Submission:

Labcorp Genetics (formerly Invitae), Labcorp
Classification: Uncertain significance. Last evaluated: 2025-03-17. Review status: criteria provided, single submitter. Criteria: Invitae Variant Classification Sherloc (09022015). Collection method: clinical testing. Allele origin: germline.
Comment: This sequence change replaces valine, which is neutral and non-polar, with isoleucine, which is neutral and non-polar, at codon 83 of the TYR protein (p.Val83Ile). This variant is present in population databases (rs149684917, gnomAD 0.01%). This variant has not been reported in the literature in individuals affected with TYR-related conditions. ClinVar contains an entry for this variant (Variation ID: 1366846). An algorithm developed to predict the effect of missense changes on protein structure and function outputs the following: PolyPhen-2: "Benign". The isoleucine amino acid residue is found in multiple mammalian species, which suggests that this missense change does not adversely affect protein function. In summary, the available evidence is currently insufficient to determine the role of this variant in disease. Therefore, it has been classified as a Variant of Uncertain Significance.

NM_000372.5(TYR):c.247G>A (p.Val83Ile)

Gene: TYR (tyrosinase; plus strand). Cytogenetic location: 11q14.3.
Variant type: single nucleotide variant.
Coding change: c.247G>A on transcript NM_000372.5 (MANE Select); coding-DNA position 247, G replaced by A.
Protein change: p.Val83Ile; replaces valine 83 with isoleucine.
Molecular consequence: missense variant.
Genome position (GRCh38, 1-based): chr11:89,178,200, G>A. VCF-style: chr11-89178200-G-A. GRCh37 (hg19) VCF-style: chr11-88911368-G-A.
Other names: short protein forms V83I.
Identifiers: ClinVar variation 1366846 (VCV001366846.6), dbSNP rs149684917, ClinGen allele CA6221069.